The following is an entry in ClinVar:

NM_001848.3(COL6A1):c.957+2T>C

Gene: COL6A1 (collagen type VI alpha 1 chain; plus strand). Cytogenetic location: 21q22.3.
Variant type: single nucleotide variant.
Coding change: c.957+2T>C on transcript NM_001848.3 (MANE Select); the canonical splice donor site of the intron after coding-DNA position 957, T replaced by C.
Molecular consequence: splice donor variant.
Genome position (GRCh38, 1-based): chr21:45,990,286, T>C. VCF-style: chr21-45990286-T-C. GRCh37 (hg19) VCF-style: chr21-47410200-T-C.
Other names: NC_000021.8:g.47410200T>C.
Identifiers: ClinVar variation 194040 (VCV000194040.8), dbSNP rs794727060, ClinGen allele CA274971.

ClinVar aggregate classification (germline): Pathogenic. Review status: criteria provided, multiple submitters, no conflicts (2 of 4 stars). 2 submissions from 2 submitters: Pathogenic (2). Last evaluated 2022-05-11.

Conditions:
Bethlem myopathy 1A. Also called: MYOPATHY, BENIGN CONGENITAL, WITH CONTRACTURES; Bethlem myopathy 1; Bethlem Muscular Dystrophy. Identifiers: Orphanet 610, MedGen CN029274, MONDO:0024530, OMIM 158810.

Submissions (3):

Centre de Génétique Humaine, Institut de Pathologie Et de Génétique
Classification: Pathogenic for Bethlem myopathy 1A. Last evaluated: 2022-05-11. Review status: criteria provided, single submitter. Criteria: ACMG Guidelines, 2015. Collection method: clinical testing. Allele origin: de novo. Inheritance: Autosomal dominant inheritance. Affected: yes. Observed: 1 heterozygote.
Comment: This subsitution affects the second nucleotide after the 3' end of exon 12, in the splice site. It was not found in GnomAD. Prediction tools indicate that the variant could inhibits the splice site and could lead to the in-frame skipping of exon 12. This was experimentally confirmed by cDNA sequencing on the EBV-immortalized leukocytes isolated from the patient. A exon 12 loss was already described in a young patient affected by Ullrich muscular dystrophy (PMID: 20976770). In the litterature, there are few reports of parents (of affected child) carrying COL6A1 variant in mosaic state and exhibiting few or no symptoms (PMID: 25204870 patients F2M and F3M, PMID: 29419890 father of patient B6).

Eurofins Ntd Llc (ga)
Classification: Pathogenic. Last evaluated: 2014-08-06. Review status: criteria provided, single submitter. Criteria: EGL Classification Definitions 2015. Collection method: clinical testing. Allele origin: germline. Observed: 1 variant allele, 1 heterozygote.

Dr. Peter K. Rogan Lab, Western University
No classification provided (evidence only). Condition: Nonpapillary renal cell carcinoma. Review status: no classification provided. Collection method: in vitro. Allele origin: not applicable. Functional consequence: retained intron. Not counted in ClinVar's aggregate classification.

Literature cited by the submitters: PubMed 20976770 (cited by Centre de Génétique Humaine, Institut de Pathologie Et de Génétique); PubMed 25204870 (cited by Centre de Génétique Humaine, Institut de Pathologie Et de Génétique); PubMed 29419890 (cited by Centre de Génétique Humaine, Institut de Pathologie Et de Génétique).